The following is an entry in ClinVar:

NM_001387430.1(SH2B1):c.1198A>G (p.Thr400Ala)

Gene: SH2B1 (SH2B adaptor protein 1; plus strand). Cytogenetic location: 16p11.2.
Variant type: single nucleotide variant.
Coding change: c.1198A>G on transcript NM_001387430.1 (MANE Select); coding-DNA position 1198, A replaced by G.
Protein change: p.Thr400Ala; replaces threonine 400 with alanine.
Molecular consequence: missense variant.
Genome position (GRCh38, 1-based): chr16:28,869,272, A>G. VCF-style: chr16-28869272-A-G. GRCh37 (hg19) VCF-style: chr16-28880593-A-G.
Other names: c.1198A>G, p.Thr400Ala (NM_001145795.2, NM_001145796.2, NM_001145797.2 and 4 more transcripts); c.190A>G, p.Thr64Ala (NM_001308294.2); short protein forms T400A, T64A.
Identifiers: ClinVar variation 4986129 (VCV004986129.1).

ClinVar aggregate classification (germline): Uncertain significance (1 of 4 stars; one submission).

Conditions:
SH2B1-related disorder. Also called: SH2B1-related condition.

gnomAD v4.1: 5 of 1,613,890 alleles (0.00031%); highest among the groups gnomAD compares: African/African-American, 0.0027%; no homozygotes.

Submission:

PreventionGenetics, part of Exact Sciences
Classification: Uncertain significance for SH2B1-related condition. Last evaluated: 2025-10-02. Review status: criteria provided, single submitter. Criteria: ACMG Guidelines, 2015. Collection method: clinical testing. Allele origin: germline.
Comment: The SH2B1 c.1198A>G variant is predicted to result in the amino acid substitution p.Thr400Ala. To our knowledge, this variant has not been reported in the literature or in a large population database (gnomAD), indicating this variant is rare. At this time, the clinical significance of this variant is uncertain due to the absence of conclusive functional and genetic evidence.